The following is an entry in ClinVar:

ClinVar aggregate classification (germline): Uncertain significance (1 of 4 stars; one submission).

Conditions:
Infantile-onset ascending hereditary spastic paralysis (IAHSP). Also called: Autosomal Recessive Juvenile Amyotrophic Lateral Sclerosis; Infantile-Onset Ascending Hereditary Spastic Paralysis (IAHSP). Identifiers: Orphanet 293168, MedGen C2931441, MONDO:0011797, OMIM 607225. Disease mechanism: loss of function.

Allele frequency attached by ClinVar (database versions not stated): TOPMed below 0.00001; gnomAD 0.00001.
gnomAD v4.1: 1 of 1,613,752 alleles (0.000062%); highest among the groups gnomAD compares: Non-Finnish European, 0.000085%; no homozygotes.

Submission:

Labcorp Genetics (formerly Invitae), Labcorp
Classification: Uncertain significance for Infantile-onset ascending hereditary spastic paralysis. Last evaluated: 2025-05-16. Review status: criteria provided, single submitter. Criteria: Invitae Variant Classification Sherloc (09022015). Collection method: clinical testing. Allele origin: germline.
Comment: This sequence change creates a premature translational stop signal (p.Gln1637*) in the ALS2 gene. While this is not anticipated to result in nonsense mediated decay, it is expected to disrupt the last 21 amino acid(s) of the ALS2 protein. This variant is not present in population databases (gnomAD no frequency). This premature translational stop signal has been observed in individual(s) with clinical features of ALS2-related conditions (internal data). In at least one individual the data is consistent with being in trans (on the opposite chromosome) from a pathogenic variant. ClinVar contains an entry for this variant (Variation ID: 1047662). Experimental studies and prediction algorithms are not available or were not evaluated, and the functional significance of this variant is currently unknown. In summary, the available evidence is currently insufficient to determine the role of this variant in disease. Therefore, it has been classified as a Variant of Uncertain Significance.

NM_020919.4(ALS2):c.4909C>T (p.Gln1637Ter)

Gene: ALS2 (alsin Rho guanine nucleotide exchange factor ALS2; minus strand). Cytogenetic location: 2q33.1.
Variant type: single nucleotide variant.
Coding change: c.4909C>T on transcript NM_020919.4 (MANE Select); coding-DNA position 4909, C replaced by T.
Protein change: p.Gln1637Ter; replaces glutamine 1637 with a stop codon.
Molecular consequence: nonsense.
Genome position (GRCh38, 1-based): chr2:201,704,148, G>A on the plus strand (C>T on the coding strand, the complement: ALS2 is on the minus strand). VCF-style: chr2-201704148-G-A. GRCh37 (hg19) VCF-style: chr2-202568871-G-A.
Other names: short protein forms Q1637*.
Identifiers: ClinVar variation 1047662 (VCV001047662.8), dbSNP rs1689551469, ClinGen allele CA350320258.
Genomic context (GRCh38, chr2:201,704,148, plus strand): 5'-AGATAAGAAAGTATTAAATAATAACTATACTCACCTTCAAGGTGGTGAACATTATACCCT[G>A]TTCCCCATGCTGAAGATAGGGGTCCATTAGATCCTCAATGAGGTGTACCTCAGAGCCTAA-3'